The following is an entry in ClinVar:

ClinVar aggregate classification (germline): Uncertain significance. Review status: criteria provided, multiple submitters, no conflicts (2 of 4 stars). 2 submissions from 2 submitters: Uncertain significance (2). Last evaluated 2025-09-24.

Conditions:
Hypertrophic cardiomyopathy. Also called: HYPERTROPHIC MYOCARDIOPATHY. Identifiers: Orphanet 217569, MedGen C0007194, MeSH D002312, MONDO:0005045, HP:0001639.

Allele frequency attached by ClinVar (database versions not stated): gnomAD exomes below 0.00001; TOPMed below 0.00001; gnomAD 0.00001.

Submissions (2):

Ambry Genetics
Classification: Uncertain significance. Last evaluated: 2025-09-24. Review status: criteria provided, single submitter. Criteria: Ambry Variant Classification Scheme 2023. Collection method: clinical testing. Allele origin: germline.

Labcorp Genetics (formerly Invitae), Labcorp
Classification: Uncertain significance for Hypertrophic cardiomyopathy. Last evaluated: 2023-12-13. Review status: criteria provided, single submitter. Criteria: Invitae Variant Classification Sherloc (09022015). Collection method: clinical testing. Allele origin: germline.
Comment: This sequence change replaces valine, which is neutral and non-polar, with alanine, which is neutral and non-polar, at codon 755 of the MYOM1 protein (p.Val755Ala). This variant is not present in population databases (gnomAD no frequency). This variant has not been reported in the literature in individuals affected with MYOM1-related conditions. ClinVar contains an entry for this variant (Variation ID: 1523818). Advanced modeling of protein sequence and biophysical properties (such as structural, functional, and spatial information, amino acid conservation, physicochemical variation, residue mobility, and thermodynamic stability) has been performed at Invitae for this missense variant, however the output from this modeling did not meet the statistical confidence thresholds required to predict the impact of this variant on MYOM1 protein function. In summary, the available evidence is currently insufficient to determine the role of this variant in disease. Therefore, it has been classified as a Variant of Uncertain Significance.

NM_003803.4(MYOM1):c.2264T>C (p.Val755Ala)

Gene: MYOM1 (myomesin 1; minus strand). Cytogenetic location: 18p11.31.
Variant type: single nucleotide variant.
Coding change: c.2264T>C on transcript NM_003803.4 (MANE Select); coding-DNA position 2264, T replaced by C.
Protein change: p.Val755Ala; replaces valine 755 with alanine.
Molecular consequence: missense variant.
Genome position (GRCh38, 1-based): chr18:3,134,770, A>G on the plus strand (T>C on the coding strand, the complement: MYOM1 is on the minus strand). VCF-style: chr18-3134770-A-G. GRCh37 (hg19) VCF-style: chr18-3134768-A-G.
Other names: c.2264T>C, p.Val755Ala (NM_019856.2); c.2264T>C (NM_003803.3); short protein forms V755A.
Identifiers: ClinVar variation 1523818 (VCV001523818.9), dbSNP rs1437205792, ClinGen allele CA401712736.